The following is an entry in ClinVar:

NM_006231.4(POLE):c.2993C>G (p.Thr998Arg)

Gene: POLE (DNA polymerase epsilon, catalytic subunit; minus strand). Cytogenetic location: 12q24.33.
Variant type: single nucleotide variant.
Coding change: c.2993C>G on transcript NM_006231.4 (MANE Select); coding-DNA position 2993, C replaced by G.
Protein change: p.Thr998Arg; replaces threonine 998 with arginine.
Molecular consequence: missense variant.
Genome position (GRCh38, 1-based): chr12:132,661,036, G>C on the plus strand (C>G on the coding strand, the complement: POLE is on the minus strand). VCF-style: chr12-132661036-G-C. GRCh37 (hg19) VCF-style: chr12-133237622-G-C.
Other names: short protein forms T998R.
Identifiers: ClinVar variation 3700664 (VCV003700664.2).

ClinVar aggregate classification (germline): Uncertain significance (1 of 4 stars; one submission).

Submission:

Labcorp Genetics (formerly Invitae), Labcorp
Classification: Uncertain significance. Last evaluated: 2024-01-25. Review status: criteria provided, single submitter. Criteria: Invitae Variant Classification Sherloc (09022015). Collection method: clinical testing. Allele origin: germline.
Comment: This sequence change replaces threonine, which is neutral and polar, with arginine, which is basic and polar, at codon 998 of the POLE protein (p.Thr998Arg). This variant is not present in population databases (gnomAD no frequency). This variant has not been reported in the literature in individuals affected with POLE-related conditions. Advanced modeling of protein sequence and biophysical properties (such as structural, functional, and spatial information, amino acid conservation, physicochemical variation, residue mobility, and thermodynamic stability) performed at Invitae indicates that this missense variant is expected to disrupt POLE protein function with a positive predictive value of 80%. In summary, the available evidence is currently insufficient to determine the role of this variant in disease. Therefore, it has been classified as a Variant of Uncertain Significance.